The following is an entry in ClinVar:

ClinVar aggregate classification (germline): Likely benign (0 of 4 stars; one submission).

Conditions:
PLXNA3-related disorder. Also called: PLXNA3-related condition.

Allele frequency attached by ClinVar (database versions not stated): gnomAD 0.00026; TOPMed 0.00026; ESP Exome Variant Server 0.00028; ExAC 0.00029.
gnomAD v4.1: 193 of 1,211,449 alleles (0.016%); highest among the groups gnomAD compares: Middle Eastern, 0.046%; no homozygotes.

Submission:

PreventionGenetics, part of Exact Sciences
Classification: Likely benign for PLXNA3-related condition. Last evaluated: 2021-09-07. Review status: no assertion criteria provided. Collection method: clinical testing. Allele origin: germline.
Comment: This variant is classified as likely benign based on ACMG/AMP sequence variant interpretation guidelines (Richards et al. 2015 PMID: 25741868, with internal and published modifications).

NM_017514.5(PLXNA3):c.801G>A (p.Ala267=)

Gene: PLXNA3 (plexin A3; plus strand). Cytogenetic location: Xq28.
Variant type: single nucleotide variant.
Coding change: c.801G>A on transcript NM_017514.5 (MANE Select); coding-DNA position 801, G replaced by A.
Protein change: p.Ala267=; no amino-acid change (alanine 267 retained).
Molecular consequence: synonymous variant.
Genome position (GRCh38, 1-based): chrX:154,461,305, G>A. VCF-style: chrX-154461305-G-A. GRCh37 (hg19) VCF-style: chrX-153689645-G-A.
Identifiers: ClinVar variation 3054205 (VCV003054205.2), dbSNP rs150974296, ClinGen allele CA10563818.